The following is an entry in ClinVar:

NM_022788.5(P2RY12):c.662dup (p.Arg222fs)

Genes: P2RY12 (purinergic receptor P2Y12; minus strand), MED12L (mediator complex subunit 12L; plus strand). Cytogenetic location: 3q25.1.
Variant type: Duplication.
Coding change: c.662dup on transcript NM_022788.5 (MANE Select); coding-DNA position 662, one base duplicated (T; older notation c.662dupT).
Protein change: p.Arg222fs; shifts the reading frame from arginine 222.
Molecular consequence: frameshift variant. On other transcripts: intron variant (2).
Genome position (GRCh38, 1-based): chr3:151,338,184, A duplicated on the plus strand (T on the coding strand, the reverse complement: P2RY12 is on the minus strand). VCF-style (leftmost placement, unchanged base first): chr3-151338183-T-TA. GRCh37 (hg19) VCF-style: chr3-151055971-T-TA.
Other names: c.662dupT (NM_022788.4); c.662dup, p.Arg222fs (NM_176876.3); c.2251-11875dup (NM_001393769.1); c.2146-11875dup (NM_053002.6); short protein forms R222fs.
Identifiers: ClinVar variation 2572656 (VCV002572656.1), dbSNP rs2473271725, ClinGen allele CA2580615994.

ClinVar aggregate classification (germline): Likely pathogenic (1 of 4 stars; one submission).

Conditions:
Platelet-type bleeding disorder 8 (BDPLT8). Also called: BLEEDING DISORDER DUE TO P2RY12 DEFECT; Bleeding disorder due to p2rx1 defect, somatic. Identifiers: Orphanet 36355, MedGen C1853278, MONDO:0012354, OMIM 609821.

Submission:

ISTH-SSC Genomics in Thrombosis and Hemostasis, KU Leuven, Center for Molecular and Vascular Biology
Classification: Likely pathogenic for Platelet-type bleeding disorder 8. Review status: criteria provided, single submitter. Criteria: ACMG Guidelines, 2015. Collection method: clinical testing. Allele origin: germline. Affected: yes. Observed: 1 heterozygote, 1 compound heterozygote.
Comment: Submitted to GoldVariant by Kathleen Freson, Center for Molecular and Vascular Biology, Leuven, Belgium